The following is an entry in ClinVar:

NM_001258282.3(LINGO2):c.1695G>A (p.Val565=)

Gene: LINGO2 (leucine rich repeat and Ig domain containing 2; minus strand). Cytogenetic location: 9p21.2.
Variant type: single nucleotide variant.
Coding change: c.1695G>A on transcript NM_001258282.3 (MANE Select); coding-DNA position 1695, G replaced by A.
Protein change: p.Val565=; no amino-acid change (valine 565 retained).
Molecular consequence: synonymous variant.
Genome position (GRCh38, 1-based): chr9:27,948,977, C>T on the plus strand (G>A on the coding strand, the complement: LINGO2 is on the minus strand). VCF-style: chr9-27948977-C-T. GRCh37 (hg19) VCF-style: chr9-27948975-C-T.
Other names: NC_000009.11:g.27948975C>T; c.1695G>A, p.Val565= (NM_001354574.2, NM_001354575.2, NM_152570.4).
Identifiers: ClinVar variation 2659138 (VCV002659138.25), dbSNP rs113646467, ClinGen allele CA5018088.

ClinVar aggregate classification (germline): Likely benign (1 of 4 stars; one submission).

Allele frequency attached by ClinVar (database versions not stated): gnomAD exomes 0.00167; 1000 Genomes Project 30x 0.00062; 1000 Genomes Project 0.00080; gnomAD 0.00109; TOPMed 0.00109; ESP Exome Variant Server 0.00138; ExAC 0.00162.
gnomAD v4.1: 2,619 of 1,613,866 alleles (0.16%); highest among the groups gnomAD compares: Middle Eastern, 0.41%; 8 homozygotes.

Submissions (2):

CeGaT Center for Human Genetics Tuebingen
Classification: Likely benign. Last evaluated: 2023-02-01. Review status: criteria provided, single submitter. Criteria: CeGaT Center For Human Genetics Tuebingen Variant Classification Criteria Version 2. Collection method: clinical testing. Allele origin: germline. Affected: yes. Observed: 1 variant allele.
Comment: LINGO2: BP4, BP7, BS2

Dr. Peter K. Rogan Lab, Western University
No classification provided (evidence only). Condition: Clear cell carcinoma of kidney. Review status: no classification provided. Collection method: in vitro. Allele origin: not applicable. Functional consequence: retained intron. Not counted in ClinVar's aggregate classification.